The following is an entry in ClinVar:

ClinVar aggregate classification (germline): Uncertain significance (1 of 4 stars; one submission).

Conditions:
Mitochondrial trifunctional protein deficiency. Identifiers: Orphanet 746, MedGen C1969443, MONDO:0012172.
Long chain 3-hydroxyacyl-CoA dehydrogenase deficiency. Also called: LCHAD Deficiency; Deficiency of long-chain 3-hydroxyacyl-coenzyme A dehydrogenase. Identifiers: Orphanet 5, MedGen C3711645, MONDO:0012173, OMIM 609016.

Submission:

Labcorp Genetics (formerly Invitae), Labcorp
Classification: Uncertain significance for Mitochondrial trifunctional protein deficiency; Long chain 3-hydroxyacyl-CoA dehydrogenase deficiency. Last evaluated: 2019-09-05. Review status: criteria provided, single submitter. Criteria: Invitae Variant Classification Sherloc (09022015). Collection method: clinical testing. Allele origin: germline.
Comment: This sequence change inserts a large fragment of DNA, likely a transposable element, in intron 2 of the HADHA gene (c.110-25_110-24insAlu). It does not directly change the encoded amino acid sequence of the HADHA protein and it is unknown how it will affect the protein product. This variant is not present in population databases (ExAC no frequency). This variant has not been reported in the literature in individuals with HADHA-related conditions. In summary, the available evidence is currently insufficient to determine the role of this variant in disease. Therefore, it has been classified as a Variant of Uncertain Significance.

NM_000182.4:c.110-25_110-24insAlu

Gene: HADHA (hydroxyacyl-CoA dehydrogenase trifunctional multienzyme complex subunit alpha; minus strand). Cytogenetic location: 2p23.3.
Variant type: Insertion.
Identifiers: ClinVar variation 870260 (VCV000870260.1).